The following is an entry in ClinVar:

NM_000258.3(MYL3):c.184G>A (p.Asp62Asn)

Gene: MYL3 (myosin light chain 3; minus strand). Cytogenetic location: 3p21.31.
Variant type: single nucleotide variant.
Coding change: c.184G>A on transcript NM_000258.3 (MANE Select); coding-DNA position 184, G replaced by A.
Protein change: p.Asp62Asn; replaces aspartic acid 62 with asparagine.
Molecular consequence: missense variant.
Genome position (GRCh38, 1-based): chr3:46,860,799, C>T on the plus strand (G>A on the coding strand, the complement: MYL3 is on the minus strand). VCF-style: chr3-46860799-C-T. GRCh37 (hg19) VCF-style: chr3-46902289-C-T.
Other names: p.D62N:GAC>AAC; short protein forms D62N.
Identifiers: ClinVar variation 181438 (VCV000181438.18), dbSNP rs730880954, ClinGen allele CA013607.
Genomic context (GRCh38, chr3:46,860,799, plus strand): 5'-CCCGCAGGACATCCCCACACTGCCCGTAGGTGATCTTCATCTCACACTTGGGTGTGCGGT[C>T]GAACAGCATGAAGGCTTCCTTGAACTCTGCCAGGAGAGGGCAGTGAGCCACAGACACTCC-3'
Protein context (NP_000249.1, residues 52-72): EEFKEAFMLF[Asp62Asn]RTPKCEMKIT

ClinVar aggregate classification (germline): Uncertain significance. Review status: criteria provided, multiple submitters, no conflicts (2 of 4 stars). 7 submissions from 7 submitters: Uncertain significance (7). Last evaluated 2024-06-19.

Conditions:
Cardiovascular phenotype. Identifiers: MedGen CN230736.
Cardiomyopathy (CMYO). Also called: Cardiomyopathies. Identifiers: Orphanet 167848, MedGen C0878544, MONDO:0004994, HP:0001638. Inheritance: Various modes of inheritance.
Hypertrophic cardiomyopathy. Also called: HYPERTROPHIC MYOCARDIOPATHY. Identifiers: Orphanet 217569, MedGen C0007194, MeSH D002312, MONDO:0005045, HP:0001639.

Allele frequency attached by ClinVar (database versions not stated): gnomAD exomes below 0.00001; ExAC 0.00001.

Submissions (7):

Labcorp Genetics (formerly Invitae), Labcorp
Classification: Uncertain significance for Hypertrophic cardiomyopathy. Last evaluated: 2024-06-19. Review status: criteria provided, single submitter. Criteria: Invitae Variant Classification Sherloc (09022015). Collection method: clinical testing. Allele origin: germline.
Comment: This sequence change replaces aspartic acid, which is acidic and polar, with asparagine, which is neutral and polar, at codon 62 of the MYL3 protein (p.Asp62Asn). This variant is present in population databases (rs730880954, gnomAD 0.0009%). This missense change has been observed in individual(s) with MYL3-related conditions (PMID: 30297972, 34598319). ClinVar contains an entry for this variant (Variation ID: 181438). An algorithm developed to predict the effect of missense changes on protein structure and function (PolyPhen-2) suggests that this variant is likely to be disruptive. In summary, the available evidence is currently insufficient to determine the role of this variant in disease. Therefore, it has been classified as a Variant of Uncertain Significance.

Ambry Genetics
Classification: Uncertain significance for Cardiovascular phenotype. Last evaluated: 2024-06-07. Review status: criteria provided, single submitter. Criteria: Ambry Variant Classification Scheme 2023. Collection method: clinical testing. Allele origin: germline.
Comment: The p.D62N variant (also known as c.184G>A), located in coding exon 3 of the MYL3 gene, results from a G to A substitution at nucleotide position 184. The aspartic acid at codon 62 is replaced by asparagine, an amino acid with highly similar properties. This variant has been reported in individuals from hypertrophic cardiomyopathy cohorts; however, details were limited (Ho CY et al. Circulation, 2018 Oct;138:1387-1398; Filatova EV et al. Mol Genet Genomic Med, 2021 Nov;9:e1808). This amino acid position is highly conserved in available vertebrate species. In addition, the in silico prediction for this alteration is inconclusive. Based on the available evidence, the clinical significance of this variant remains unclear.

All of Us Research Program, National Institutes of Health
Classification: Uncertain significance for Hypertrophic cardiomyopathy. Last evaluated: 2023-12-13. Review status: criteria provided, single submitter. Criteria: ACMG Guidelines, 2015. Collection method: clinical testing. Allele origin: germline. Inheritance: Autosomal dominant inheritance. Observed: 1 variant allele, 1 heterozygote.
Comment: This missense variant replaces aspartic acid with asparagine at codon 62 of the MYL3 protein. Computational prediction suggests that this variant may have deleterious impact on protein structure and function (internally defined REVEL score threshold >= 0.7, PMID: 27666373). Splice site prediction tools suggest that this variant may not impact RNA splicing. To our knowledge, functional studies have not been performed for this variant. This variant has not been reported in individuals affected with cardiovascular disorders in the literature. This variant has been identified in 1/251468 chromosomes in the general population by the Genome Aggregation Database (gnomAD). The available evidence is insufficient to determine the role of this variant in disease conclusively. Therefore, this variant is classified as a Variant of Uncertain Significance.

This study involves interpretation of variants in research participants for the purpose of population health screening. Participant phenotype was not available at the time of variant classification. Additional details can be found in publication PMID: 35346344, PMCID: PMC8962531

Color Diagnostics, LLC DBA Color Health
Classification: Uncertain significance for Cardiomyopathy. Last evaluated: 2023-11-16. Review status: criteria provided, single submitter. Criteria: ACMG Guidelines, 2015. Collection method: clinical testing. Allele origin: germline.
Comment: This missense variant replaces aspartic acid with asparagine at codon 62 of the MYL3 protein. Computational prediction suggests that this variant may have deleterious impact on protein structure and function (internally defined REVEL score threshold >= 0.7, PMID: 27666373). To our knowledge, functional studies have not been reported for this variant. This variant has been reported in two individuals affected with hypertrophic cardiomyopathy (PMID: 30297972, 34598319). This variant has been identified in 1/251468 chromosomes in the general population by the Genome Aggregation Database (gnomAD). The available evidence is insufficient to determine the role of this variant in disease conclusively. Therefore, this variant is classified as a Variant of Uncertain Significance.

CHEO Genetics Diagnostic Laboratory, Children's Hospital of Eastern Ontario
Classification: Uncertain significance for Cardiomyopathy. Last evaluated: 2022-04-19. Review status: criteria provided, single submitter. Criteria: ACMG Guidelines, 2015. Collection method: clinical testing. Allele origin: germline.

GeneDx
Classification: Uncertain significance. Last evaluated: 2021-12-02. Review status: criteria provided, single submitter. Criteria: GeneDx Variant Classification Process June 2021. Collection method: clinical testing. Allele origin: germline. Affected: yes.
Comment: In silico analysis supports that this missense variant has a deleterious effect on protein structure/function; Not observed at significant frequency in large population cohorts (gnomAD); This variant is associated with the following publications: (PMID: 30297972, 34598319)

Laboratory for Molecular Medicine, Mass General Brigham Personalized Medicine
Classification: Uncertain significance. Last evaluated: 2015-06-25. Review status: criteria provided, single submitter. Criteria: LMM Criteria. Collection method: clinical testing. Allele origin: germline. Observed: 1 variant allele.
Comment: The p.Asp62Asn variant in MYL3 has not been previously published in individuals with cardiomyopathy, but has been reported by 1 laboratory in ClinVar (w.) and has been identified in 1/66674 European chromosomes by the Exome Aggregation Consortium. Computational prediction tools and conservation analyses suggest this variant may impact the protein, though this information is not predictive enoug h to determine pathogenicity. In summary, the clinical significance of the p.Asp 62Asn variant is uncertain.

Literature cited by the submitters: PubMed 30297972 (cited by 3 submitters); PubMed 34598319 (cited by 3 submitters).